The following is an entry in ClinVar:

NM_001110556.2(FLNA):c.1900C>G (p.Arg634Gly)

Gene: FLNA (filamin A; minus strand). Cytogenetic location: Xq28.
Variant type: single nucleotide variant.
Coding change: c.1900C>G on transcript NM_001110556.2 (MANE Select); coding-DNA position 1900, C replaced by G.
Protein change: p.Arg634Gly; replaces arginine 634 with glycine.
Molecular consequence: missense variant.
Genome position (GRCh38, 1-based): chrX:154,364,648, G>C on the plus strand (C>G on the coding strand, the complement: FLNA is on the minus strand). VCF-style: chrX-154364648-G-C. GRCh37 (hg19) VCF-style: chrX-153593016-G-C.
Other names: c.1900C>G (NM_001110556.1); c.1900C>G, p.Arg634Gly (NM_001456.4); short protein forms R634G.
Identifiers: ClinVar variation 405444 (VCV000405444.21), dbSNP rs111516546, ClinGen allele CA10561053.

ClinVar aggregate classification (germline): Benign/Likely benign. Review status: criteria provided, multiple submitters, no conflicts (2 of 4 stars). 5 submissions from 5 submitters: Benign (1); Likely benign (3). 1 of the submissions does not count toward it. Last evaluated 2026-01-25.

Conditions:
Oto-palato-digital syndrome, type II (OPD2). Also called: OPD II SYNDROME; FACIOPALATOOSSEOUS SYNDROME; Otopalatodigital Syndrome Type 2 (FLNA-OPD2); Otopalatodigital Syndrome, Type II. Identifiers: Orphanet 669, Orphanet 90652, MedGen C1844696, MONDO:0010571, OMIM 304120.
Melnick-Needles syndrome (MNS). Also called: MELNICK-NEEDLES OSTEODYSPLASTY; OSTEODYSPLASTY OF MELNICK AND NEEDLES; Melnick-Needles Syndrome (FLNA-MNS). Identifiers: Orphanet 2484, MedGen C0025237, MONDO:0010650, OMIM 309350.
Frontometaphyseal dysplasia (FMD1). Identifiers: Orphanet 1826, MedGen C0265293, MONDO:0015942.
Heterotopia, periventricular, X-linked dominant (PVNH1). Also called: PERIVENTRICULAR NODULAR HETEROTOPIA 1; PERIVENTRICULAR NODULAR HETEROTOPIA 4; HETEROTOPIA, PERIVENTRICULAR, 1; X-linked periventricular heterotopia. Identifiers: Orphanet 2149, Orphanet 82004, MedGen C1848213, MONDO:0010233, OMIM 300049.
FLNA-related disorder.
Familial thoracic aortic aneurysm and aortic dissection (TAAD). Also called: Thoracic aortic aneurysms and dissections. Identifiers: Orphanet 91387, MedGen C4707243, MONDO:0019625.

Allele frequency attached by ClinVar (database versions not stated): TOPMed 0.00005.
gnomAD v4.1: 46 of 1,208,765 alleles (0.0038%); highest among the groups gnomAD compares: Non-Finnish European, 0.00078%; no homozygotes.

Submissions (5):

Labcorp Genetics (formerly Invitae), Labcorp
Classification: Benign for Oto-palato-digital syndrome, type II; Heterotopia, periventricular, X-linked dominant; Frontometaphyseal dysplasia; Melnick-Needles syndrome. Last evaluated: 2026-01-25. Review status: criteria provided, single submitter. Criteria: Invitae Variant Classification Sherloc (09022015). Collection method: clinical testing. Allele origin: germline.

Blueprint Genetics
Classification: Likely benign. Last evaluated: 2020-09-02. Review status: criteria provided, single submitter. Criteria: ACMG Guidelines, 2015. Collection method: clinical testing. Allele origin: germline.

GeneDx
Classification: Likely benign. Last evaluated: 2019-02-12. Review status: criteria provided, single submitter. Criteria: GeneDx Variant Classification Process June 2021. Collection method: clinical testing. Allele origin: germline. Affected: yes.

Ambry Genetics
Classification: Likely benign for Familial thoracic aortic aneurysm and aortic dissection. Last evaluated: 2018-07-08. Review status: criteria provided, single submitter. Criteria: Ambry Variant Classification Scheme 2023. Collection method: clinical testing. Allele origin: germline.

PreventionGenetics, part of Exact Sciences
Classification: Likely benign for FLNA-related condition. Last evaluated: 2021-01-11. Review status: no assertion criteria provided. Collection method: clinical testing. Allele origin: germline. Not counted in ClinVar's aggregate classification.
Comment: This variant is classified as likely benign based on ACMG/AMP sequence variant interpretation guidelines (Richards et al. 2015 PMID: 25741868, with internal and published modifications).